The following is an entry in ClinVar:

ClinVar aggregate classification (germline): Likely pathogenic (0 of 4 stars; one submission).

Conditions:
Polycystic kidney disease 6 with or without polycystic liver disease. Also called: Autosomal Dominant Polycystic Kidney Disease-DNAJB11. Identifiers: MedGen C4748044, MONDO:0054842, OMIM 618061.

Submission:

CGC Genetics, Unilabs
Classification: Likely pathogenic for Polycystic kidney disease 6 with or without polycystic liver disease. Last evaluated: 2024-10-22. Review status: no assertion criteria provided. Collection method: clinical testing. Allele origin: unknown. Inheritance: Autosomal dominant inheritance. Affected: yes. Observed: 1 heterozygote.
Comment: The variant NM_016306.6:c.324-1G>T, detected in heterozygosity, has not been described in the literature at the time of this submission. It is located in a canonical splice site, which is predicted to cause an out-of-frame exon skipping. With the available information, this variant should be classified as likely pathogenic. ACMG codes: PVS1, PM2_supp.

NM_016306.6(DNAJB11):c.324-1G>T

Gene: DNAJB11 (DnaJ heat shock protein family (Hsp40) member B11; plus strand). Cytogenetic location: 3q27.3.
Variant type: single nucleotide variant.
Coding change: c.324-1G>T on transcript NM_016306.6 (MANE Select); the canonical splice acceptor site of the intron before coding-DNA position 324, G replaced by T.
Molecular consequence: splice acceptor variant. On other transcripts: intron variant (1).
Genome position (GRCh38, 1-based): chr3:186,577,667, G>T. VCF-style: chr3-186577667-G-T. GRCh37 (hg19) VCF-style: chr3-186295456-G-T.
Other names: c.323+1730G>T (NM_001378451.1).
Identifiers: ClinVar variation 3366872 (VCV003366872.2).